The following is an entry in ClinVar:

ClinVar aggregate classification (germline): Pathogenic. Review status: criteria provided, multiple submitters, no conflicts (2 of 4 stars). 2 submissions from 2 submitters: Pathogenic (2). Last evaluated 2020-11-10.

Conditions:
Hereditary cancer-predisposing syndrome. Also called: Neoplastic Syndromes, Hereditary; Hereditary Cancer Syndrome; Hereditary neoplastic syndrome; Tumor predisposition. Identifiers: Orphanet 140162, MedGen C0027672, MeSH D009386, MONDO:0015356.
Ataxia-telangiectasia syndrome (AT). Also called: Cerebello-oculocutaneous telangiectasia; Immunodeficiency with ataxia telangiectasia; Ataxia-telangiectasia, complementation group D; AT, COMPLEMENTATION GROUP C; ATAXIA-TELANGIECTASIA, FRESNO VARIANT; ATAXIA-TELANGIECTASIA, COMPLEMENTATION GROUP A. Identifiers: Orphanet 100, MedGen C0004135, MONDO:0008840, OMIM 208900.

Submissions (2):

Labcorp Genetics (formerly Invitae), Labcorp
Classification: Pathogenic for Ataxia-telangiectasia syndrome. Last evaluated: 2020-11-10. Review status: criteria provided, single submitter. Criteria: Invitae Variant Classification Sherloc (09022015). Collection method: clinical testing. Allele origin: germline.
Comment: For these reasons, this variant has been classified as Pathogenic. This sequence change creates a premature translational stop signal (p.Glu850*) in the ATM gene. It is expected to result in an absent or disrupted protein product. Loss-of-function variants in ATM are known to be pathogenic (PMID: 23807571, 25614872). This variant is not present in population databases (ExAC no frequency). This nonsense change has been observed in individual(s) with ataxia-telangiectasia (PMID: 21833744). ClinVar contains an entry for this variant (Variation ID: 142171).

Ambry Genetics
Classification: Pathogenic for Hereditary cancer-predisposing syndrome. Last evaluated: 2013-03-11. Review status: criteria provided, single submitter. Criteria: Ambry Autosomal Dominant and X-Linked criteria (10/2015). Collection method: clinical testing. Allele origin: germline. Observed: 1 variant allele.
Comment: This alteration is expected to result in loss of function by premature protein truncation or nonsense-mediatedâ€¯mRNAâ€¯decay.â€¯As such, this alteration is interpreted as a disease-causing mutation.

Literature cited by the submitters: PubMed 23807571 (cited by Labcorp Genetics (formerly Invitae), Labcorp); PubMed 25614872 (cited by Labcorp Genetics (formerly Invitae), Labcorp); PubMed 21833744 (cited by Labcorp Genetics (formerly Invitae), Labcorp).

NM_000051.4(ATM):c.2548G>T (p.Glu850Ter)

Gene: ATM (ATM serine/threonine kinase; plus strand). Cytogenetic location: 11q22.3.
Variant type: single nucleotide variant.
Coding change: c.2548G>T on transcript NM_000051.4 (MANE Select); coding-DNA position 2548, G replaced by T.
Protein change: p.Glu850Ter; replaces glutamic acid 850 with a stop codon.
Molecular consequence: nonsense.
Genome position (GRCh38, 1-based): chr11:108,267,252, G>T. VCF-style: chr11-108267252-G-T. GRCh37 (hg19) VCF-style: chr11-108137979-G-T.
Other names: c.2548G>T, p.Glu850Ter (NM_001351834.2); short protein forms E850*.
Identifiers: ClinVar variation 142171 (VCV000142171.11), dbSNP rs587782280, ClinGen allele CA167666.